The following is an entry in ClinVar:

ClinVar aggregate classification (germline): Uncertain significance (1 of 4 stars; one submission).

Conditions:
Inborn genetic diseases. Identifiers: MedGen C0950123, MeSH D030342.

Submission:

Ambry Genetics
Classification: Uncertain significance for Inborn genetic diseases. Last evaluated: 2025-05-25. Review status: criteria provided, single submitter. Criteria: Ambry Variant Classification Scheme 2023. Collection method: clinical testing. Allele origin: germline.
Comment: The p.I1017M variant (also known as c.3051A>G), located in coding exon 24 of the ANKRD26 gene, results from an A to G substitution at nucleotide position 3051. The isoleucine at codon 1017 is replaced by methionine, an amino acid with highly similar properties. This amino acid position is conserved. In addition, this alteration is predicted to be tolerated by in silico analysis. Based on the available evidence, the clinical significance of this variant remains unclear.

NM_014915.3(ANKRD26):c.3051A>G (p.Ile1017Met)

Gene: ANKRD26 (ankyrin repeat domain containing 26; minus strand). Cytogenetic location: 10p12.1.
Variant type: single nucleotide variant.
Coding change: c.3051A>G on transcript NM_014915.3 (MANE Select); coding-DNA position 3051, A replaced by G.
Protein change: p.Ile1017Met; replaces isoleucine 1017 with methionine.
Molecular consequence: missense variant.
Genome position (GRCh38, 1-based): chr10:27,035,399, T>C on the plus strand (A>G on the coding strand, the complement: ANKRD26 is on the minus strand). VCF-style: chr10-27035399-T-C. GRCh37 (hg19) VCF-style: chr10-27324328-T-C.
Other names: c.3048A>G, p.Ile1016Met (NM_001256053.2); short protein forms I1017M, I1016M.
Identifiers: ClinVar variation 3914809 (VCV003914809.1).